The following is an entry in ClinVar:

NM_004380.3(CREBBP):c.5438A>G (p.Asn1813Ser)

Gene: CREBBP (CREB binding lysine acetyltransferase; minus strand). Cytogenetic location: 16p13.3.
Variant type: single nucleotide variant.
Coding change: c.5438A>G on transcript NM_004380.3 (MANE Select); coding-DNA position 5438, A replaced by G.
Protein change: p.Asn1813Ser; replaces asparagine 1813 with serine.
Molecular consequence: missense variant.
Genome position (GRCh38, 1-based): chr16:3,729,609, T>C on the plus strand (A>G on the coding strand, the complement: CREBBP is on the minus strand). VCF-style: chr16-3729609-T-C. GRCh37 (hg19) VCF-style: chr16-3779610-T-C.
Other names: c.5324A>G, p.Asn1775Ser (NM_001079846.1); short protein forms N1775S, N1813S.
Identifiers: ClinVar variation 4891459 (VCV004891459.1).

ClinVar aggregate classification (germline): Pathogenic (1 of 4 stars; one submission).

gnomAD v4.1: 1 of 1,614,172 alleles (0.000062%); highest among the groups gnomAD compares: Non-Finnish European, 0.000085%; no homozygotes.

Submission:

GeneDx
Classification: Pathogenic. Last evaluated: 2026-03-08. Review status: criteria provided, single submitter. Criteria: GeneDx Variant Classification Process June 2021. Collection method: clinical testing. Allele origin: germline.
Comment: Not observed at significant frequency in large population cohorts (gnomAD); In silico analysis supports that this missense variant has a deleterious effect on protein structure/function; Has not been previously published as pathogenic or benign to our knowledge; This variant is associated with the following publications: (PMID: 27311832)